The following is an entry in ClinVar:

NM_201384.3(PLEC):c.11958G>A (p.Thr3986=)

Gene: PLEC (plectin; minus strand). Cytogenetic location: 8q24.3.
Variant type: single nucleotide variant.
Coding change: c.11958G>A on transcript NM_201384.3 (MANE Select); coding-DNA position 11958, G replaced by A.
Protein change: p.Thr3986=; no amino-acid change (threonine 3986 retained).
Molecular consequence: synonymous variant.
Genome position (GRCh38, 1-based): chr8:143,917,863, C>T on the plus strand (G>A on the coding strand, the complement: PLEC is on the minus strand). VCF-style: chr8-143917863-C-T. GRCh37 (hg19) VCF-style: chr8-144992031-C-T.
Other names: c.12039G>A, p.Thr4013= (NM_000445.5); c.11916G>A, p.Thr3972= (NM_201378.4); c.11892G>A, p.Thr3964= (NM_201379.3); c.12369G>A, p.Thr4123= (NM_201380.4); c.11862G>A, p.Thr3954= (NM_201381.3); c.11958G>A, p.Thr3986= (NM_201382.4); c.11970G>A, p.Thr3990= (NM_201383.3).
Identifiers: ClinVar variation 508695 (VCV000508695.11), dbSNP rs782448637, ClinGen allele CA4924207.

ClinVar aggregate classification (germline): Likely benign. Review status: criteria provided, multiple submitters, no conflicts (2 of 4 stars). 3 submissions from 3 submitters: Likely benign (3). Last evaluated 2025-07-23.

Conditions:
Epidermolysis bullosa simplex, Ogna type (EBS5A). Also called: Pidermolysis bullosa simplex 5A, Ogna type; EPIDERMOLYSIS BULLOSA SIMPLEX 5A, OGNA TYPE. Identifiers: Orphanet 79401, MedGen C0432317, MONDO:0007555, OMIM 131950.
Epidermolysis bullosa simplex with nail dystrophy (EBS5D). Identifiers: MedGen C4225309, MONDO:0014661, OMIM 616487.
Epidermolysis bullosa simplex 5B, with muscular dystrophy (EBS5B). Also called: EPIDERMOLYSIS BULLOSA SIMPLEX AND LIMB-GIRDLE MUSCULAR DYSTROPHY; Epidermolysis bullosa simplex with muscular dystrophy. Identifiers: Orphanet 257, MedGen C2931072, MONDO:0009181, OMIM 226670.
Epidermolysis bullosa simplex 5C, with pyloric atresia (EBS5C). Also called: PLEC1-Related Epidermolysis Bullosa with Pyloric Atresia; Epidermolysis bullosa simplex with pyloric atresia; PLEC-Related Epidermolysis Bullosa with Pyloric Atresia. Identifiers: Orphanet 158684, MedGen C2677349, MONDO:0012807, OMIM 612138.
Autosomal recessive limb-girdle muscular dystrophy type 2Q (LGMDR17). Also called: MUSCULAR DYSTROPHY, LIMB-GIRDLE, AUTOSOMAL RECESSIVE 17. Identifiers: Orphanet 254361, MedGen C3150989, MONDO:0013390, OMIM 613723.

Allele frequency attached by ClinVar (database versions not stated): gnomAD exomes below 0.00001 and 0.00002; ExAC 0.00001; gnomAD 0.00001; TOPMed 0.00001.
gnomAD v4.1: 26 of 1,613,028 alleles (0.0016%); highest among the groups gnomAD compares: South Asian, 0.0066%; no homozygotes.

Submissions (3):

Labcorp Genetics (formerly Invitae), Labcorp
Classification: Likely benign for Autosomal recessive limb-girdle muscular dystrophy type 2Q; Epidermolysis bullosa simplex, Ogna type; Epidermolysis bullosa simplex with nail dystrophy; Epidermolysis bullosa simplex 5C, with pyloric atresia; Epidermolysis bullosa simplex 5B, with muscular dystrophy. Last evaluated: 2025-07-23. Review status: criteria provided, single submitter. Criteria: Invitae Variant Classification Sherloc (09022015). Collection method: clinical testing. Allele origin: germline.

Blueprint Genetics
Classification: Likely benign. Last evaluated: 2024-04-15. Review status: criteria provided, single submitter. Criteria: ACMG Guidelines, 2015. Collection method: clinical testing. Allele origin: germline.

GeneDx
Classification: Likely benign. Last evaluated: 2017-04-07. Review status: criteria provided, single submitter. Criteria: GeneDx Variant Classification (06012015). Collection method: clinical testing. Allele origin: germline. Affected: yes.
Comment: This variant is considered likely benign or benign based on one or more of the following criteria: it is a conservative change, it occurs at a poorly conserved position in the protein, it is predicted to be benign by multiple in silico algorithms, and/or has population frequency not consistent with disease.